The following is an entry in ClinVar:

NM_006531.5(IFT88):c.1197T>C (p.Asp399=)

Gene: IFT88 (intraflagellar transport 88; plus strand). Cytogenetic location: 13q12.11.
Variant type: single nucleotide variant.
Coding change: c.1197T>C on transcript NM_006531.5 (MANE Select); coding-DNA position 1197, T replaced by C.
Protein change: p.Asp399=; no amino-acid change (aspartic acid 399 retained).
Molecular consequence: synonymous variant. On other transcripts: non-coding transcript variant (5), intron variant (1).
Genome position (GRCh38, 1-based): chr13:20,615,877, T>C. VCF-style: chr13-20615877-T-C. GRCh37 (hg19) VCF-style: chr13-21190016-T-C.
Other names: c.1140T>C, p.Asp380= (NM_001318491.2, NM_001353575.2); c.1224T>C, p.Asp408= (NM_001318493.2, NM_001353565.2, NM_001353566.2 and 2 more transcripts); c.1197T>C, p.Asp399= (NM_001353568.2, NM_001353572.2); c.1122T>C, p.Asp374= (NM_001353569.2, NM_001353570.2, NM_001353576.2 and 1 more transcripts); c.1095T>C, p.Asp365= (NM_001353571.2, NM_001353578.2); c.1038T>C, p.Asp346= (NM_001353574.2); c.564T>C, p.Asp188= (NM_001353579.2); c.1056-9873T>C (NM_001353573.2); and 1 more.
Identifiers: ClinVar variation 1637088 (VCV001637088.9), dbSNP rs145383209, ClinGen allele CA6905312.
Genomic context (GRCh38, chr13:20,615,877, plus strand): 5'-TATGACATCTGCAAAACTCATTGCTCCTGTAATTGAAACATCTTTTGCTGCAGGTTATGA[T>C]TGGTAAGAGAGAAAGTCTATAATACTGCATAGATGTGGTTTTTTTCATAATTTATACTTT-3'
Protein context (NP_006522.2, residues 389-409): VIETSFAAGY[Asp399=]WCVEVVKASQ

ClinVar aggregate classification (germline): Likely benign. Review status: criteria provided, multiple submitters, no conflicts (2 of 4 stars). 2 submissions from 2 submitters: Likely benign (2). Last evaluated 2026-08-04.

Conditions:
IFT88-related disorder. Also called: IFT88-related condition.

Allele frequency attached by ClinVar (database versions not stated): ESP Exome Variant Server 0.00008.
gnomAD v4.1: 47 of 1,591,918 alleles (0.003%); highest among the groups gnomAD compares: East Asian, 0.0045%; 1 homozygote.

Submissions (2):

PreventionGenetics, part of Exact Sciences
Classification: Likely benign for IFT88-related condition. Last evaluated: 2026-08-04. Review status: criteria provided, single submitter. Criteria: ACMG Guidelines, 2015. Collection method: clinical testing. Allele origin: germline.
Comment: This variant is classified as likely benign based on ACMG/AMP sequence variant interpretation guidelines (Richards et al. 2015 PMID: 25741868, with internal and published modifications).

Labcorp Genetics (formerly Invitae), Labcorp
Classification: Likely benign. Last evaluated: 2024-10-23. Review status: criteria provided, single submitter. Criteria: Invitae Variant Classification Sherloc (09022015). Collection method: clinical testing. Allele origin: germline.